The following is an entry in ClinVar:

ClinVar aggregate classification (germline): Uncertain significance. Review status: criteria provided, multiple submitters, no conflicts (2 of 4 stars). 2 submissions from 2 submitters: Uncertain significance (2). Last evaluated 2023-10-24.

Conditions:
Inborn genetic diseases. Identifiers: MedGen C0950123, MeSH D030342.

Allele frequency attached by ClinVar (database versions not stated): gnomAD exomes below 0.00001; gnomAD 0.00003; TOPMed 0.00007.

Submissions (2):

Ambry Genetics
Classification: Uncertain significance for Inborn genetic diseases. Last evaluated: 2023-10-24. Review status: criteria provided, single submitter. Criteria: Ambry Variant Classification Scheme 2023. Collection method: clinical testing. Allele origin: germline.

Labcorp Genetics (formerly Invitae), Labcorp
Classification: Uncertain significance. Last evaluated: 2022-03-25. Review status: criteria provided, single submitter. Criteria: Invitae Variant Classification Sherloc (09022015). Collection method: clinical testing. Allele origin: germline.
Comment: This sequence change replaces arginine, which is basic and polar, with leucine, which is neutral and non-polar, at codon 26 of the SLC19A2 protein (p.Arg26Leu). This variant is present in population databases (no rsID available, gnomAD 0.004%). This variant has not been reported in the literature in individuals affected with SLC19A2-related conditions. Advanced modeling of protein sequence and biophysical properties (such as structural, functional, and spatial information, amino acid conservation, physicochemical variation, residue mobility, and thermodynamic stability) performed at Invitae indicates that this missense variant is not expected to disrupt SLC19A2 protein function. In summary, the available evidence is currently insufficient to determine the role of this variant in disease. Therefore, it has been classified as a Variant of Uncertain Significance.

NM_006996.3(SLC19A2):c.77G>T (p.Arg26Leu)

Genes: SLC19A2 (solute carrier family 19 member 2; minus strand), LOC129931894 (ATAC-STARR-seq lymphoblastoid silent region 1546; plus strand). Cytogenetic location: 1q24.2.
Variant type: single nucleotide variant.
Coding change: c.77G>T on transcript NM_006996.3 (MANE Select); coding-DNA position 77, G replaced by T.
Protein change: p.Arg26Leu; replaces arginine 26 with leucine.
Molecular consequence: missense variant.
Genome position (GRCh38, 1-based): chr1:169,485,690, C>A on the plus strand (G>T on the coding strand, the complement: SLC19A2 is on the minus strand). VCF-style: chr1-169485690-C-A. GRCh37 (hg19) VCF-style: chr1-169454928-C-A.
Other names: c.77G>T, p.Arg26Leu (NM_001319667.1); c.77G>T (NM_006996.2); short protein forms R26L.
Identifiers: ClinVar variation 2190774 (VCV002190774.2), dbSNP rs910991540, ClinGen allele CA32390662.
Genomic context (GRCh38, chr1:169,485,690, plus strand): 5'-AGGCTGGCGAAGAAGCCGTAGGCGCAGAGCAGCGCGGTCGGCAAGAACCAGCATTCGCGA[C>A]GGACCCGAGCGGTCCGCAGGAGCACAGTGGCCGCCGCCGCCGCCGCCCGCCGAGACACCG-3'
Protein context (NP_008927.1, residues 16-36): ATVLLRTARV[Arg26Leu]RECWFLPTAL